The following is an entry in ClinVar:

NM_002474.3(MYH11):c.2372T>C (p.Met791Thr)

Gene: MYH11 (myosin heavy chain 11; minus strand). Cytogenetic location: 16p13.11.
Variant type: single nucleotide variant.
Coding change: c.2372T>C on transcript NM_002474.3 (MANE Select); coding-DNA position 2372, T replaced by C.
Protein change: p.Met791Thr; replaces methionine 791 with threonine.
Molecular consequence: missense variant.
Genome position (GRCh38, 1-based): chr16:15,747,609, A>G on the plus strand (T>C on the coding strand, the complement: MYH11 is on the minus strand). VCF-style: chr16-15747609-A-G. GRCh37 (hg19) VCF-style: chr16-15841466-A-G.
Other names: c.2393T>C, p.Met798Thr (NM_001040113.2, NM_001040114.2); c.2372T>C, p.Met791Thr (NM_022844.3); short protein forms M791T, M798T.
Identifiers: ClinVar variation 3069965 (VCV003069965.1), dbSNP rs924500062, ClinGen allele CA278636541.

ClinVar aggregate classification (germline): Uncertain significance (1 of 4 stars; one submission).

Conditions:
Familial thoracic aortic aneurysm and aortic dissection (TAAD). Also called: Thoracic aortic aneurysms and dissections. Identifiers: Orphanet 91387, MedGen C4707243, MONDO:0019625.

Allele frequency attached by ClinVar (database versions not stated): gnomAD exomes below 0.00001.
gnomAD v4.1: 1 of 1,614,156 alleles (0.000062%); highest among the groups gnomAD compares: Non-Finnish European, 0.000085%; no homozygotes.

Submission:

All of Us Research Program, National Institutes of Health
Classification: Uncertain significance for Familial thoracic aortic aneurysm and aortic dissection. Last evaluated: 2023-03-28. Review status: criteria provided, single submitter. Criteria: ACMG Guidelines, 2015. Collection method: clinical testing. Allele origin: germline. Inheritance: Autosomal dominant inheritance. Observed: 1 variant allele, 1 heterozygote.
Comment: This study involves interpretation of variants in research participants for the purpose of population health screening. Participant phenotype was not available at the time of variant classification. Additional details can be found in publication PMID: 35346344, PMCID: PMC8962531